The following is an entry in ClinVar:

ClinVar aggregate classification (germline): Uncertain significance (1 of 4 stars; one submission).

Conditions:
Inflammatory bowel disease 28. Also called: Inflammatory bowel disease 28, early onset, autosomal recessive. Identifiers: Orphanet 238569, MedGen C2751053, MONDO:0013153, OMIM 613148.

Submission:

Labcorp Genetics (formerly Invitae), Labcorp
Classification: Uncertain significance for Inflammatory bowel disease 28. Last evaluated: 2023-11-03. Review status: criteria provided, single submitter. Criteria: Invitae Variant Classification Sherloc (09022015). Collection method: clinical testing. Allele origin: germline.
Comment: This sequence change replaces alanine, which is neutral and non-polar, with glycine, which is neutral and non-polar, at codon 151 of the IL10RA protein (p.Ala151Gly). This variant is not present in population databases (gnomAD no frequency). This variant has not been reported in the literature in individuals affected with IL10RA-related conditions. ClinVar contains an entry for this variant (Variation ID: 2011138). Advanced modeling of protein sequence and biophysical properties (such as structural, functional, and spatial information, amino acid conservation, physicochemical variation, residue mobility, and thermodynamic stability) performed at Invitae indicates that this missense variant is not expected to disrupt IL10RA protein function with a negative predictive value of 80%. In summary, the available evidence is currently insufficient to determine the role of this variant in disease. Therefore, it has been classified as a Variant of Uncertain Significance.

NM_001558.4(IL10RA):c.452C>G (p.Ala151Gly)

Gene: IL10RA (interleukin 10 receptor subunit alpha; plus strand). Cytogenetic location: 11q23.3.
Variant type: single nucleotide variant.
Coding change: c.452C>G on transcript NM_001558.4 (MANE Select); coding-DNA position 452, C replaced by G.
Protein change: p.Ala151Gly; replaces alanine 151 with glycine.
Molecular consequence: missense variant. On other transcripts: non-coding transcript variant (1).
Genome position (GRCh38, 1-based): chr11:117,993,325, C>G. VCF-style: chr11-117993325-C-G. GRCh37 (hg19) VCF-style: chr11-117864040-C-G.
Other names: short protein forms A151G.
Identifiers: ClinVar variation 2011138 (VCV002011138.4), dbSNP rs2058035881, ClinGen allele CA382774598.